The following is an entry in ClinVar:

NM_000256.3(MYBPC3):c.37dup (p.Ser13fs)

Gene: MYBPC3 (myosin binding protein C3; minus strand). Cytogenetic location: 11p11.2.
Variant type: Duplication.
Coding change: c.37dup on transcript NM_000256.3 (MANE Select); coding-DNA position 37, one base duplicated (A; older notation c.37dupA).
Protein change: p.Ser13fs; shifts the reading frame from serine 13.
Molecular consequence: frameshift variant.
Genome position (GRCh38, 1-based): chr11:47,351,494, T duplicated on the plus strand (A on the coding strand, the reverse complement: MYBPC3 is on the minus strand). VCF-style (leftmost placement, unchanged base first): chr11-47351493-C-CT. GRCh37 (hg19) VCF-style: chr11-47373044-C-CT.
Other names: short protein forms S13fs.
Identifiers: ClinVar variation 3660780 (VCV003660780.2).

ClinVar aggregate classification (germline): Pathogenic (1 of 4 stars; one submission).

Conditions:
Hypertrophic cardiomyopathy. Also called: HYPERTROPHIC MYOCARDIOPATHY. Identifiers: Orphanet 217569, MedGen C0007194, MeSH D002312, MONDO:0005045, HP:0001639.

Submission:

Labcorp Genetics (formerly Invitae), Labcorp
Classification: Pathogenic for Hypertrophic cardiomyopathy. Last evaluated: 2024-07-30. Review status: criteria provided, single submitter. Criteria: Invitae Variant Classification Sherloc (09022015). Collection method: clinical testing. Allele origin: germline.
Comment: This sequence change creates a premature translational stop signal (p.Ser13Lysfs*36) in the MYBPC3 gene. It is expected to result in an absent or disrupted protein product. Loss-of-function variants in MYBPC3 are known to be pathogenic (PMID: 19574547). This variant is not present in population databases (gnomAD no frequency). This variant has not been reported in the literature in individuals affected with MYBPC3-related conditions. For these reasons, this variant has been classified as Pathogenic.

Literature cited by the submitters: PubMed 19574547.